The following is an entry in ClinVar:

NM_000069.3(CACNA1S):c.3334T>G (p.Trp1112Gly)

Gene: CACNA1S (calcium voltage-gated channel subunit alpha1 S; minus strand). Cytogenetic location: 1q32.1.
Variant type: single nucleotide variant.
Coding change: c.3334T>G on transcript NM_000069.3 (MANE Select); coding-DNA position 3334, T replaced by G.
Protein change: p.Trp1112Gly; replaces tryptophan 1112 with glycine.
Molecular consequence: missense variant.
Genome position (GRCh38, 1-based): chr1:201,060,738, A>C on the plus strand (T>G on the coding strand, the complement: CACNA1S is on the minus strand). VCF-style: chr1-201060738-A-C. GRCh37 (hg19) VCF-style: chr1-201029866-A-C.
Other names: short protein forms W1112G.
Identifiers: ClinVar variation 942056 (VCV000942056.21), dbSNP rs151218760, ClinGen allele CA079640.

ClinVar aggregate classification (germline): Conflicting classifications of pathogenicity. Review status: criteria provided, conflicting classifications (1 of 4 stars). 7 submissions from 7 submitters: Uncertain significance (5); Likely benign (1). 1 of the submissions does not count toward it. Last evaluated 2025-04-07.

Conditions:
Malignant hyperthermia, susceptibility to, 5 (MHS5). Also called: CACNA1S-Related Malignant Hyperthermia Susceptibility. Identifiers: Orphanet 423, MedGen C1866077, MONDO:0011163, OMIM 601887.
Inborn genetic diseases. Identifiers: MedGen C0950123, MeSH D030342.
CACNA1S-related disorder. Also called: CACNA1S-related condition.
Hypokalemic periodic paralysis, type 1. Also called: HypoPP; Hypokalemic Periodic Paralysis Type 1 (AD). Identifiers: Orphanet 681, MedGen C3714580, MONDO:0042979, OMIM 170400.
Thyrotoxic periodic paralysis, susceptibility to, 1 (TTPP1). Identifiers: Orphanet 79102, MedGen C2749982, MONDO:0008570, OMIM 188580.

Allele frequency attached by ClinVar (database versions not stated): gnomAD exomes 0.00001 and 0.00005; ExAC 0.00006; ESP Exome Variant Server 0.00015; gnomAD 0.00017 and 0.00019; TOPMed 0.00021; 1000 Genomes Project 0.00040; 1000 Genomes Project 30x 0.00047.
gnomAD v4.1: 43 of 1,614,158 alleles (0.0027%); highest among the groups gnomAD compares: African/African-American, 0.053%; no homozygotes.

Submissions (7):

Labcorp Genetics (formerly Invitae), Labcorp
Classification: Likely benign for Hypokalemic periodic paralysis, type 1; Malignant hyperthermia, susceptibility to, 5. Last evaluated: 2025-04-07. Review status: criteria provided, single submitter. Criteria: Invitae Variant Classification Sherloc (09022015). Collection method: clinical testing. Allele origin: germline.

ARUP Laboratories, Molecular Genetics and Genomics, ARUP Laboratories
Classification: Uncertain significance. Last evaluated: 2025-01-10. Review status: criteria provided, single submitter. Criteria: ARUP Molecular Germline Variant Investigation Process 2024. Collection method: clinical testing. Allele origin: germline.
Comment: The CACNA1S c.3334T>G; p.Trp1112Gly variant (rs151218760), to our knowledge, is not reported in the medical literature but is reported in ClinVar (Variation ID: 942056). This variant is found in the African/African-American population with an allele frequency of 0.06% (16/24,964 alleles) in the Genome Aggregation Database (v2.1.1). Computational analyses predict that this variant is deleterious (REVEL: 0.985). Due to limited information, the clinical significance of this variant is uncertain at this time.

All of Us Research Program, National Institutes of Health
Classification: Uncertain significance for Malignant hyperthermia, susceptibility to, 5. Last evaluated: 2024-08-13. Review status: criteria provided, single submitter. Criteria: ACMG Guidelines, 2015. Collection method: clinical testing. Allele origin: germline. Inheritance: Autosomal dominant inheritance. Observed: 16 variant alleles, 16 heterozygotes.
Comment: This missense variant replaces tryptophan with glycine at codon 1112 of the CACNA1S protein. Computational prediction suggests that this variant may have deleterious impact on protein structure and function (internally defined REVEL score threshold >= 0.7, PMID: 27666373). To our knowledge, functional studies have not been reported for this variant. This variant has not been reported in individuals affected with CACNA1S-related disorders in the literature. This variant has been identified in 16/282880 chromosomes in the general population by the Genome Aggregation Database (gnomAD). The available evidence is insufficient to determine the role of this variant in disease conclusively. Therefore, this variant is classified as a Variant of Uncertain Significance.

This study involves interpretation of variants in research participants for the purpose of population health screening. Participant phenotype was not available at the time of variant classification. Additional details can be found in publication PMID: 35346344, PMCID: PMC8962531

Color Diagnostics, LLC DBA Color Health
Classification: Uncertain significance for Malignant hyperthermia, susceptibility to, 5. Last evaluated: 2024-05-06. Review status: criteria provided, single submitter. Criteria: ACMG Guidelines, 2015. Collection method: clinical testing. Allele origin: germline.
Comment: This missense variant replaces tryptophan with glycine at codon 1112 of the CACNA1S protein. Computational prediction suggests that this variant may have deleterious impact on protein structure and function. To our knowledge, functional studies have not been reported for this variant. This variant has not been reported in individuals affected with CACNA1S-related disorders in the literature. This variant has been identified in 16/282880 chromosomes in the general population by the Genome Aggregation Database (gnomAD). The available evidence is insufficient to determine the role of this variant in disease conclusively. Therefore, this variant is classified as a Variant of Uncertain Significance.

Fulgent Genetics
Classification: Uncertain significance for Hypokalemic periodic paralysis, type 1; Thyrotoxic periodic paralysis, susceptibility to, 1; Malignant hyperthermia, susceptibility to, 5. Last evaluated: 2022-04-02. Review status: criteria provided, single submitter. Criteria: ACMG Guidelines, 2015. Collection method: clinical testing. Allele origin: unknown.

Ambry Genetics
Classification: Uncertain significance for Inborn genetic diseases. Last evaluated: 2021-10-12. Review status: criteria provided, single submitter. Criteria: Ambry Variant Classification Scheme 2023. Collection method: clinical testing. Allele origin: germline.

PreventionGenetics, part of Exact Sciences
Classification: Likely benign for CACNA1S-related condition. Last evaluated: 2023-12-18. Review status: no assertion criteria provided. Collection method: clinical testing. Allele origin: germline. Not counted in ClinVar's aggregate classification.
Comment: This variant is classified as likely benign based on ACMG/AMP sequence variant interpretation guidelines (Richards et al. 2015 PMID: 25741868, with internal and published modifications).